The following is an entry in ClinVar:

NM_006514.4(SCN10A):c.745G>A (p.Val249Met)

Gene: SCN10A (sodium voltage-gated channel alpha subunit 10; minus strand). Cytogenetic location: 3p22.2.
Variant type: single nucleotide variant.
Coding change: c.745G>A on transcript NM_006514.4 (MANE Select); coding-DNA position 745, G replaced by A.
Protein change: p.Val249Met; replaces valine 249 with methionine.
Molecular consequence: missense variant.
Genome position (GRCh38, 1-based): chr3:38,761,330, C>T on the plus strand (G>A on the coding strand, the complement: SCN10A is on the minus strand). VCF-style: chr3-38761330-C-T. GRCh37 (hg19) VCF-style: chr3-38802821-C-T.
Other names: c.745G>A, p.Val249Met (NM_001293306.2, NM_001293307.2); short protein forms V249M.
Identifiers: ClinVar variation 4841923 (VCV004841923.1).
Genomic context (GRCh38, chr3:38,761,330, plus strand): 5'-TGAAGAGTTGCAGCCCCACCAAGGCAAAAACACTTAGGCAGAAGATGGTGAGGATGGTCA[C>T]ATCAGCCAGTTTCTTCACTGAGTGAATCAGGGCCCCCACAATGACCTTCAGGCCTGCGGG-3'
Protein context (NP_006505.4, residues 239-259): LIHSVKKLAD[Val249Met]TILTIFCLSV

ClinVar aggregate classification (germline): Uncertain significance (1 of 4 stars; one submission).

Conditions:
Cardiovascular phenotype. Identifiers: MedGen CN230736.

gnomAD v4.1: 4 of 1,613,872 alleles (0.00025%); highest among the groups gnomAD compares: South Asian, 0.0022%; no homozygotes.

Submission:

Ambry Genetics
Classification: Uncertain significance for Cardiovascular phenotype. Last evaluated: 2026-02-06. Review status: criteria provided, single submitter. Criteria: Ambry Variant Classification Scheme 2023. Collection method: clinical testing. Allele origin: germline.
Comment: The p.V249M variant (also known as c.745G>A), located in coding exon 6 of the SCN10A gene, results from a G to A substitution at nucleotide position 745. The valine at codon 249 is replaced by methionine, an amino acid with highly similar properties. This amino acid position is highly conserved in available vertebrate species. In addition, this alteration is predicted to be deleterious by in silico analysis. The evidence for this gene-disease relationship is limited; therefore, the clinical significance of this variant is unclear.